The following is an entry in ClinVar:

ClinVar aggregate classification (germline): Likely pathogenic (1 of 4 stars; one submission).

Conditions:
Peroxisome biogenesis disorder. Identifiers: Orphanet 79189, MedGen C1832200, MONDO:0019234. Disease mechanism: loss of function.

Submission:

Women's Health and Genetics/Laboratory Corporation of America, LabCorp
Classification: Likely pathogenic for Peroxisome biogenesis disorder. Last evaluated: 2023-02-15. Review status: criteria provided, single submitter. Criteria: LabCorp Variant Classification Summary - May 2015. Collection method: clinical testing. Allele origin: germline.
Comment: Variant summary: PEX3 c.685G>T (p.Gly229X) results in a premature termination codon, predicted to cause a truncation of the encoded protein or absence of the protein due to nonsense mediated decay, which are commonly known mechanisms for disease. Truncations downstream of this position have been classified as pathogenic by ClinVar submitters. The variant was absent in 251036 control chromosomes. To our knowledge, no occurrence of c.685G>T in individuals affected with Zellweger Syndrome and no experimental evidence demonstrating its impact on protein function have been reported. No submitters have provided clinical-significance assessments for this variant to ClinVar after 2014. Based on the evidence outlined above, the variant was classified as likely pathogenic.

NM_003630.3(PEX3):c.685G>T (p.Gly229Ter)

Gene: PEX3 (peroxisomal biogenesis factor 3; plus strand). Cytogenetic location: 6q24.2.
Variant type: single nucleotide variant.
Coding change: c.685G>T on transcript NM_003630.3 (MANE Select); coding-DNA position 685, G replaced by T.
Protein change: p.Gly229Ter; replaces glycine 229 with a stop codon.
Molecular consequence: nonsense.
Genome position (GRCh38, 1-based): chr6:143,472,266, G>T. VCF-style: chr6-143472266-G-T. GRCh37 (hg19) VCF-style: chr6-143793403-G-T.
Other names: c.685G>T (NM_003630.2); short protein forms G229*.
Identifiers: ClinVar variation 2445860 (VCV002445860.1), dbSNP rs2537199055, ClinGen allele CA365912450.